The following is an entry in ClinVar:

NM_002618.4(PEX13):c.201dup (p.Val68fs)

Gene: PEX13 (peroxisomal biogenesis factor 13; plus strand). Cytogenetic location: 2p15.
Variant type: Duplication.
Coding change: c.201dup on transcript NM_002618.4 (MANE Select); coding-DNA position 201, one base duplicated (T; older notation c.201dupT).
Protein change: p.Val68fs; shifts the reading frame from valine 68.
Molecular consequence: frameshift variant.
Genome position (GRCh38, 1-based): chr2:61,031,527, T duplicated. VCF-style (leftmost placement, unchanged base first): chr2-61031526-G-GT. GRCh37 (hg19) VCF-style: chr2-61258661-G-GT.
Other names: short protein forms V68fs.
Identifiers: ClinVar variation 1426245 (VCV001426245.6), dbSNP rs1288976071, ClinGen allele CA770850523.

ClinVar aggregate classification (germline): Pathogenic (1 of 4 stars; one submission).

Conditions:
Peroxisome biogenesis disorder 11A (Zellweger). Also called: Peroxisome biogenesis disorder 11A. Identifiers: Orphanet 912, MedGen C3554000, MONDO:0013949, OMIM 614883.

Allele frequency attached by ClinVar (database versions not stated): gnomAD 0.00001; TOPMed 0.00002.

Submission:

Labcorp Genetics (formerly Invitae), Labcorp
Classification: Pathogenic for Peroxisome biogenesis disorder 11A (Zellweger). Last evaluated: 2024-02-14. Review status: criteria provided, single submitter. Criteria: Invitae Variant Classification Sherloc (09022015). Collection method: clinical testing. Allele origin: germline.
Comment: This sequence change creates a premature translational stop signal (p.Val68Cysfs*5) in the PEX13 gene. It is expected to result in an absent or disrupted protein product. Loss-of-function variants in PEX13 are known to be pathogenic (PMID: 10332040, 21031596). This variant is not present in population databases (gnomAD no frequency). This variant has not been reported in the literature in individuals affected with PEX13-related conditions. ClinVar contains an entry for this variant (Variation ID: 1426245). For these reasons, this variant has been classified as Pathogenic.

Literature cited by the submitters: PubMed 10332040; PubMed 21031596.